The following is an entry in ClinVar:

NM_145868.2(ANXA11):c.521C>T (p.Pro174Leu)

Gene: ANXA11 (annexin A11; minus strand). Cytogenetic location: 10q22.3.
Variant type: single nucleotide variant.
Coding change: c.521C>T on transcript NM_145868.2 (MANE Select); coding-DNA position 521, C replaced by T.
Protein change: p.Pro174Leu; replaces proline 174 with leucine.
Molecular consequence: missense variant.
Genome position (GRCh38, 1-based): chr10:80,169,009, G>A on the plus strand (C>T on the coding strand, the complement: ANXA11 is on the minus strand). VCF-style: chr10-80169009-G-A. GRCh37 (hg19) VCF-style: chr10-81928765-G-A.
Other names: c.521C>T, p.Pro174Leu (NM_001157.3, NM_001278407.2, NM_001278408.2 and 1 more transcripts); c.422C>T, p.Pro141Leu (NM_001278409.2); c.521C>T (NM_145869.1); short protein forms P141L, P174L.
Identifiers: ClinVar variation 1561361 (VCV001561361.10), dbSNP rs140912946, ClinGen allele CA5576261.
Genomic context (GRCh38, chr10:80,169,009, plus strand): 5'-GGCAGTGGGCTGACACTCACCTGGGTTGGGGGCACAGCGGGGGTGACAGTCCCAGACCCC[G>A]GGTATCCTGGGTAGCTCGGCACTGGCTGCTGCTGCCCAGGGAGTGGCACTGGAGGCTGAC-3'
Protein context (NP_665875.1, residues 164-184): QQPVPSYPGY[Pro174Leu]GSGTVTPAVP

ClinVar aggregate classification (germline): Likely benign. Review status: criteria provided, single submitter (1 of 4 stars). 2 submissions from 2 submitters: Likely benign (1). 1 of the submissions does not count toward it. Last evaluated 2025-10-02.

Conditions:
ANXA11-related disorder. Also called: ANXA11-related condition.

Allele frequency attached by ClinVar (database versions not stated): gnomAD exomes 0.00011 and 0.00027; gnomAD 0.00013 and 0.00014; TOPMed 0.00013; ESP Exome Variant Server 0.00031; ExAC 0.00034.
gnomAD v4.1: 182 of 1,543,538 alleles (0.012%); highest among the groups gnomAD compares: East Asian, 0.036%; 1 homozygote.

Submissions (2):

Labcorp Genetics (formerly Invitae), Labcorp
Classification: Likely benign. Last evaluated: 2025-10-02. Review status: criteria provided, single submitter. Criteria: Invitae Variant Classification Sherloc (09022015). Collection method: clinical testing. Allele origin: germline.

PreventionGenetics, part of Exact Sciences
Classification: Likely benign for ANXA11-related condition. Last evaluated: 2022-12-05. Review status: no assertion criteria provided. Collection method: clinical testing. Allele origin: germline. Not counted in ClinVar's aggregate classification.
Comment: This variant is classified as likely benign based on ACMG/AMP sequence variant interpretation guidelines (Richards et al. 2015 PMID: 25741868, with internal and published modifications).